The following is an entry in ClinVar:

ClinVar aggregate classification (germline): Conflicting classifications of pathogenicity. Review status: criteria provided, conflicting classifications (1 of 4 stars). 3 submissions from 3 submitters: Uncertain significance (2); Likely benign (1). Last evaluated 2024-09-20.

Conditions:
Imerslund-Grasbeck syndrome type 1 (IGS1). Also called: MEGALOBLASTIC ANEMIA, 1; Imerslund-Gräsbeck syndrome 1; Megaloblastic anemia 1, Finnish type. Identifiers: MedGen C4016819, MONDO:0100156, OMIM 261100.
Proteinuria, chronic benign. Identifiers: MedGen C5394384, MONDO:0030042, OMIM 618884.
Inborn genetic diseases. Identifiers: MedGen C0950123, MeSH D030342.
Imerslund-Grasbeck syndrome. Also called: PERNICIOUS ANEMIA, JUVENILE, DUE TO SELECTIVE INTESTINAL MALABSORPTION OF VITAMIN B12, WITH PROTEINURIA; Imerslund-Gräsbeck syndrome; Megaloblastic anemia due to inborn errors of metabolism; ENTEROCYTE COBALAMIN MALABSORPTION; ENTEROCYTE INTRINSIC FACTOR RECEPTOR, DEFECT OF. Identifiers: Orphanet 35858, MedGen C4551825, MONDO:0009853.

Allele frequency attached by ClinVar (database versions not stated): gnomAD 0.00007 and 0.00005; 1000 Genomes Project 0.00020; gnomAD exomes 0.00004 and 0.00006; TOPMed 0.00005; 1000 Genomes Project 30x 0.00047; ExAC 0.00004.

Submissions (3):

Ambry Genetics
Classification: Likely benign for Inborn genetic diseases. Last evaluated: 2024-09-20. Review status: criteria provided, single submitter. Criteria: Ambry Variant Classification Scheme 2023. Collection method: clinical testing. Allele origin: germline.

Fulgent Genetics
Classification: Uncertain significance for Imerslund-Grasbeck syndrome type 1; Proteinuria, chronic benign. Last evaluated: 2024-05-31. Review status: criteria provided, single submitter. Criteria: ACMG Guidelines, 2015. Collection method: clinical testing. Allele origin: germline.

Labcorp Genetics (formerly Invitae), Labcorp
Classification: Uncertain significance for Imerslund-Grasbeck syndrome. Last evaluated: 2022-11-22. Review status: criteria provided, single submitter. Criteria: Invitae Variant Classification Sherloc (09022015). Collection method: clinical testing. Allele origin: germline.
Comment: In summary, the available evidence is currently insufficient to determine the role of this variant in disease. Therefore, it has been classified as a Variant of Uncertain Significance. Algorithms developed to predict the effect of sequence changes on RNA splicing suggest that this variant may create or strengthen a splice site. Advanced modeling of protein sequence and biophysical properties (such as structural, functional, and spatial information, amino acid conservation, physicochemical variation, residue mobility, and thermodynamic stability) performed at Invitae indicates that this missense variant is not expected to disrupt CUBN protein function. ClinVar contains an entry for this variant (Variation ID: 532198). This variant has not been reported in the literature in individuals affected with CUBN-related conditions. This variant is present in population databases (rs564637804, gnomAD 0.02%). This sequence change replaces arginine, which is basic and polar, with tryptophan, which is neutral and slightly polar, at codon 520 of the CUBN protein (p.Arg520Trp).

NM_001081.4(CUBN):c.1558C>T (p.Arg520Trp)

Gene: CUBN (cubilin; minus strand). Cytogenetic location: 10p13.
Variant type: single nucleotide variant.
Coding change: c.1558C>T on transcript NM_001081.4 (MANE Select); coding-DNA position 1558, C replaced by T.
Protein change: p.Arg520Trp; replaces arginine 520 with tryptophan.
Molecular consequence: missense variant.
Genome position (GRCh38, 1-based): chr10:17,100,212, G>A on the plus strand (C>T on the coding strand, the complement: CUBN is on the minus strand). VCF-style: chr10-17100212-G-A. GRCh37 (hg19) VCF-style: chr10-17142211-G-A.
Other names: short protein forms R520W.
Identifiers: ClinVar variation 532198 (VCV000532198.9), dbSNP rs564637804, ClinGen allele CA5425241.